The following is an entry in ClinVar:

ClinVar aggregate classification (germline): Uncertain significance (1 of 4 stars; one submission).

Conditions:
Charcot-Marie-Tooth disease type 2E (CMT2E). Also called: CHARCOT-MARIE-TOOTH DISEASE, AXONAL, TYPE 2E; CHARCOT-MARIE-TOOTH NEUROPATHY, TYPE 2E. Identifiers: Orphanet 99939, MedGen C1843225, MONDO:0011894, OMIM 607684.

Allele frequency attached by ClinVar (database versions not stated): gnomAD exomes below 0.00001; ExAC 0.00001.
gnomAD v4.1: 6 of 1,603,240 alleles (0.00037%); highest among the groups gnomAD compares: East Asian, 0.0023%; no homozygotes.

Submission:

Labcorp Genetics (formerly Invitae), Labcorp
Classification: Uncertain significance for Charcot-Marie-Tooth disease type 2E. Last evaluated: 2022-11-30. Review status: criteria provided, single submitter. Criteria: Invitae Variant Classification Sherloc (09022015). Collection method: clinical testing. Allele origin: germline.
Comment: This sequence change replaces arginine, which is basic and polar, with cysteine, which is neutral and slightly polar, at codon 37 of the NEFL protein (p.Arg37Cys). The frequency data for this variant in the population databases is considered unreliable, as metrics indicate poor data quality at this position in the gnomAD database. In summary, the available evidence is currently insufficient to determine the role of this variant in disease. Therefore, it has been classified as a Variant of Uncertain Significance. Advanced modeling of protein sequence and biophysical properties (such as structural, functional, and spatial information, amino acid conservation, physicochemical variation, residue mobility, and thermodynamic stability) has been performed at Invitae for this missense variant, however the output from this modeling did not meet the statistical confidence thresholds required to predict the impact of this variant on NEFL protein function. This variant has not been reported in the literature in individuals affected with NEFL-related conditions.

NM_006158.5(NEFL):c.109C>T (p.Arg37Cys)

Gene: NEFL (neurofilament light chain; minus strand). Cytogenetic location: 8p21.2.
Variant type: single nucleotide variant.
Coding change: c.109C>T on transcript NM_006158.5 (MANE Select); coding-DNA position 109, C replaced by T.
Protein change: p.Arg37Cys; replaces arginine 37 with cysteine.
Molecular consequence: missense variant.
Genome position (GRCh38, 1-based): chr8:24,956,407, G>A on the plus strand (C>T on the coding strand, the complement: NEFL is on the minus strand). VCF-style: chr8-24956407-G-A. GRCh37 (hg19) VCF-style: chr8-24813921-G-A.
Other names: short protein forms R37C.
Identifiers: ClinVar variation 2919136 (VCV002919136.3), dbSNP rs763584363, ClinGen allele CA4681549.